The following is an entry in ClinVar:

NM_024496.4(IRF2BPL):c.1956G>A (p.Ser652=)

Gene: IRF2BPL (interferon regulatory factor 2 binding protein like; minus strand). Cytogenetic location: 14q24.3.
Variant type: single nucleotide variant.
Coding change: c.1956G>A on transcript NM_024496.4 (MANE Select); coding-DNA position 1956, G replaced by A.
Protein change: p.Ser652=; no amino-acid change (serine 652 retained).
Molecular consequence: synonymous variant.
Genome position (GRCh38, 1-based): chr14:77,025,837, C>T on the plus strand (G>A on the coding strand, the complement: IRF2BPL is on the minus strand). VCF-style: chr14-77025837-C-T. GRCh37 (hg19) VCF-style: chr14-77492180-C-T.
Identifiers: ClinVar variation 4821633 (VCV004821633.4).

ClinVar aggregate classification (germline): Likely benign (1 of 4 stars; one submission).

Submission:

CeGaT Center for Human Genetics Tuebingen
Classification: Likely benign. Last evaluated: 2026-02-01. Review status: criteria provided, single submitter. Criteria: CeGaT Center For Human Genetics Tuebingen Variant Classification Criteria Version 2. Collection method: clinical testing. Allele origin: germline. Affected: yes. Observed: 1 variant allele.
Comment: IRF2BPL: BP4, BP7